The following is an entry in ClinVar:

ClinVar aggregate classification (germline): Uncertain significance (1 of 4 stars; one submission).

Conditions:
Fanconi anemia (FA). Also called: Fanconi's anemia. Identifiers: Orphanet 84, MedGen C0015625, MeSH D005199, MONDO:0019391.

Allele frequency attached by ClinVar (database versions not stated): gnomAD exomes below 0.00001.
gnomAD v4.1: 1 of 1,614,150 alleles (0.000062%); highest among the groups gnomAD compares: Non-Finnish European, 0.000085%; no homozygotes.

Submission:

Labcorp Genetics (formerly Invitae), Labcorp
Classification: Uncertain significance for Fanconi anemia. Last evaluated: 2021-04-29. Review status: criteria provided, single submitter. Criteria: Invitae Variant Classification Sherloc (09022015). Collection method: clinical testing. Allele origin: germline.
Comment: In summary, the available evidence is currently insufficient to determine the role of this variant in disease. Therefore, it has been classified as a Variant of Uncertain Significance. Advanced modeling of protein sequence and biophysical properties (such as structural, functional, and spatial information, amino acid conservation, physicochemical variation, residue mobility, and thermodynamic stability) performed at Invitae indicates that this missense variant is not expected to disrupt FANCA protein function. This variant has not been reported in the literature in individuals with FANCA-related conditions. This variant is not present in population databases (ExAC no frequency). This sequence change replaces glutamic acid with alanine at codon 698 of the FANCA protein (p.Glu698Ala). The glutamic acid residue is weakly conserved and there is a moderate physicochemical difference between glutamic acid and alanine.

NM_000135.4(FANCA):c.2093A>C (p.Glu698Ala)

Gene: FANCA (FA complementation group A; minus strand). Cytogenetic location: 16q24.3.
Variant type: single nucleotide variant.
Coding change: c.2093A>C on transcript NM_000135.4 (MANE Select); coding-DNA position 2093, A replaced by C.
Protein change: p.Glu698Ala; replaces glutamic acid 698 with alanine.
Molecular consequence: missense variant.
Genome position (GRCh38, 1-based): chr16:89,771,736, T>G on the plus strand (A>C on the coding strand, the complement: FANCA is on the minus strand). VCF-style: chr16-89771736-T-G. GRCh37 (hg19) VCF-style: chr16-89838144-T-G.
Other names: c.2093A>C, p.Glu698Ala (NM_001286167.3); short protein forms E698A.
Identifiers: ClinVar variation 1511631 (VCV001511631.8), dbSNP rs2143350667, ClinGen allele CA397448299.
Genomic context (GRCh38, chr16:89,771,736, plus strand): 5'-ACCATGTGTTCCCGTGGCTCCAGTCTCGGCGTGTTGATGCTGAGCTGAATCTTTGATATC[T>G]CAACGCTGCTGTCATCCTCATTGTGGCCCAGGACAGCCCTCAGTCTTTCAGAAATCACTG-3'
Protein context (NP_000126.2, residues 688-708): LGHNEDDSSV[Glu698Ala]ISKIQLSINT